The following is an entry in ClinVar:

ClinVar aggregate classification (germline): Uncertain significance (1 of 4 stars; one submission).

Conditions:
Immunodeficiency 28 (IMD28). Also called: IFNGR2 DEFICIENCY. Identifiers: Orphanet 319547, Orphanet 319574, MedGen C4013947, MONDO:0013953, OMIM 614889.

Allele frequency attached by ClinVar (database versions not stated): gnomAD 0.00001; TOPMed 0.00001; gnomAD exomes 0.00002 and 0.00003; ExAC 0.00003.
gnomAD v4.1: 44 of 1,613,898 alleles (0.0027%); highest among the groups gnomAD compares: Non-Finnish European, 0.0032%; no homozygotes.

Submission:

Labcorp Genetics (formerly Invitae), Labcorp
Classification: Uncertain significance for Immunodeficiency 28. Last evaluated: 2025-04-03. Review status: criteria provided, single submitter. Criteria: Invitae Variant Classification Sherloc (09022015). Collection method: clinical testing. Allele origin: germline.
Comment: This sequence change replaces tryptophan, which is neutral and slightly polar, with arginine, which is basic and polar, at codon 317 of the IFNGR2 protein (p.Trp317Arg). This variant is present in population databases (rs755201347, gnomAD 0.005%). This variant has not been reported in the literature in individuals affected with IFNGR2-related conditions. ClinVar contains an entry for this variant (Variation ID: 840029). An algorithm developed to predict the effect of missense changes on protein structure and function (PolyPhen-2) suggests that this variant is likely to be disruptive. In summary, the available evidence is currently insufficient to determine the role of this variant in disease. Therefore, it has been classified as a Variant of Uncertain Significance.

NM_005534.4(IFNGR2):c.949T>C (p.Trp317Arg)

Genes: TMEM50B (transmembrane protein 50B; minus strand), IFNGR2 (interferon gamma receptor 2; plus strand). Cytogenetic location: 21q22.11.
Variant type: single nucleotide variant.
Coding change: c.949T>C on transcript NM_005534.4 (MANE Select); coding-DNA position 949, T replaced by C.
Protein change: p.Trp317Arg; replaces tryptophan 317 with arginine.
Molecular consequence: missense variant.
Genome position (GRCh38, 1-based): chr21:33,436,897, T>C. VCF-style: chr21-33436897-T-C. GRCh37 (hg19) VCF-style: chr21-34809204-T-C.
Other names: c.1006T>C, p.Trp336Arg (NM_001329128.2); short protein forms W317R, W336R.
Identifiers: ClinVar variation 840029 (VCV000840029.10), dbSNP rs755201347, ClinGen allele CA10007079.